The following is an entry in ClinVar:

ClinVar aggregate classification (germline): Uncertain significance (1 of 4 stars; one submission).

Allele frequency attached by ClinVar (database versions not stated): gnomAD exomes below 0.00001; gnomAD 0.00001; TOPMed 0.00001.
gnomAD v4.1: 5 of 1,614,040 alleles (0.00031%); highest among the groups gnomAD compares: Admixed American, 0.0067%; no homozygotes.

Submission:

Labcorp Genetics (formerly Invitae), Labcorp
Classification: Uncertain significance. Last evaluated: 2024-02-20. Review status: criteria provided, single submitter. Criteria: Invitae Variant Classification Sherloc (09022015). Collection method: clinical testing. Allele origin: germline.
Comment: This sequence change replaces glycine, which is neutral and non-polar, with aspartic acid, which is acidic and polar, at codon 578 of the KARS protein (p.Gly578Asp). This variant is present in population databases (no rsID available, gnomAD 0.01%). This variant has not been reported in the literature in individuals affected with KARS-related conditions. ClinVar contains an entry for this variant (Variation ID: 1951438). Advanced modeling of protein sequence and biophysical properties (such as structural, functional, and spatial information, amino acid conservation, physicochemical variation, residue mobility, and thermodynamic stability) performed at Invitae indicates that this missense variant is expected to disrupt KARS protein function with a positive predictive value of 80%. In summary, the available evidence is currently insufficient to determine the role of this variant in disease. Therefore, it has been classified as a Variant of Uncertain Significance.

NM_005548.3(KARS1):c.1649G>A (p.Gly550Asp)

Gene: KARS1 (lysyl-tRNA synthetase 1; minus strand). Cytogenetic location: 16q23.1.
Variant type: single nucleotide variant.
Coding change: c.1649G>A on transcript NM_005548.3 (MANE Select); coding-DNA position 1649, G replaced by A.
Protein change: p.Gly550Asp; replaces glycine 550 with aspartic acid.
Molecular consequence: missense variant.
Genome position (GRCh38, 1-based): chr16:75,628,615, C>T on the plus strand (G>A on the coding strand, the complement: KARS1 is on the minus strand). VCF-style: chr16-75628615-C-T. GRCh37 (hg19) VCF-style: chr16-75662513-C-T.
Other names: c.1733G>A, p.Gly578Asp (NM_001130089.2); c.1181G>A, p.Gly394Asp (NM_001378148.1); short protein forms G550D, G394D, G578D.
Identifiers: ClinVar variation 1951438 (VCV001951438.5), dbSNP rs1337290789, ClinGen allele CA396809586.